The following is an entry in ClinVar:

ClinVar aggregate classification (germline): Uncertain significance (1 of 4 stars; one submission).

Conditions:
Primary immunodeficiency with post-measles-mumps-rubella vaccine viral infection. Also called: Immunodeficiency 44. Identifiers: Orphanet 431166, MedGen C4225260, MONDO:0014715, OMIM 616636.

Submission:

Labcorp Genetics (formerly Invitae), Labcorp
Classification: Uncertain significance for Primary immunodeficiency with post-measles-mumps-rubella vaccine viral infection. Last evaluated: 2022-05-03. Review status: criteria provided, single submitter. Criteria: Invitae Variant Classification Sherloc (09022015). Collection method: clinical testing. Allele origin: germline.
Comment: This sequence change replaces lysine, which is basic and polar, with arginine, which is basic and polar, at codon 267 of the STAT2 protein (p.Lys267Arg). This variant is not present in population databases (gnomAD no frequency). This variant has not been reported in the literature in individuals affected with STAT2-related conditions. Advanced modeling of protein sequence and biophysical properties (such as structural, functional, and spatial information, amino acid conservation, physicochemical variation, residue mobility, and thermodynamic stability) performed at Invitae indicates that this missense variant is not expected to disrupt STAT2 protein function. In summary, the available evidence is currently insufficient to determine the role of this variant in disease. Therefore, it has been classified as a Variant of Uncertain Significance.

NM_005419.4(STAT2):c.800A>G (p.Lys267Arg)

Gene: STAT2 (signal transducer and activator of transcription 2; minus strand). Cytogenetic location: 12q13.3.
Variant type: single nucleotide variant.
Coding change: c.800A>G on transcript NM_005419.4 (MANE Select); coding-DNA position 800, A replaced by G.
Protein change: p.Lys267Arg; replaces lysine 267 with arginine.
Molecular consequence: missense variant.
Genome position (GRCh38, 1-based): chr12:56,351,433, T>C on the plus strand (A>G on the coding strand, the complement: STAT2 is on the minus strand). VCF-style: chr12-56351433-T-C. GRCh37 (hg19) VCF-style: chr12-56745217-T-C.
Other names: c.788A>G, p.Lys263Arg (NM_001385110.1, NM_001385115.1, NM_198332.2); c.800A>G, p.Lys267Arg (NM_001385111.1, NM_001385113.1, NM_001385114.1); short protein forms K263R, K267R.
Identifiers: ClinVar variation 2171266 (VCV002171266.2), dbSNP rs2547257142, ClinGen allele CA385262469.